The following is an entry in ClinVar:

ClinVar aggregate classification (germline): Uncertain significance (1 of 4 stars; one submission).

Conditions:
Dilated cardiomyopathy 1HH (CMD1HH). Identifiers: Orphanet 154, MedGen C3151293, MONDO:0013479, OMIM 613881.
Myofibrillar myopathy 6. Identifiers: Orphanet 199340, MedGen C2751831, MONDO:0013061, OMIM 612954.

Allele frequency attached by ClinVar (database versions not stated): TOPMed below 0.00001; gnomAD 0.00001.

Submission:

Labcorp Genetics (formerly Invitae), Labcorp
Classification: Uncertain significance for Dilated cardiomyopathy 1HH; Myofibrillar myopathy 6. Last evaluated: 2022-03-08. Review status: criteria provided, single submitter. Criteria: Invitae Variant Classification Sherloc (09022015). Collection method: clinical testing. Allele origin: germline.
Comment: Algorithms developed to predict the effect of missense changes on protein structure and function output the following: SIFT: "Tolerated"; PolyPhen-2: "Benign"; Align-GVGD: "Class C0". The valine amino acid residue is found in multiple mammalian species, which suggests that this missense change does not adversely affect protein function. This variant has not been reported in the literature in individuals affected with BAG3-related conditions. This variant is not present in population databases (gnomAD no frequency). This sequence change replaces alanine, which is neutral and non-polar, with valine, which is neutral and non-polar, at codon 273 of the BAG3 protein (p.Ala273Val). In summary, the available evidence is currently insufficient to determine the role of this variant in disease. Therefore, it has been classified as a Variant of Uncertain Significance.

NM_004281.4(BAG3):c.818C>T (p.Ala273Val)

Gene: BAG3 (BAG cochaperone 3; plus strand). Cytogenetic location: 10q26.11.
Variant type: single nucleotide variant.
Coding change: c.818C>T on transcript NM_004281.4 (MANE Select); coding-DNA position 818, C replaced by T.
Protein change: p.Ala273Val; replaces alanine 273 with valine.
Molecular consequence: missense variant.
Genome position (GRCh38, 1-based): chr10:119,672,565, C>T. VCF-style: chr10-119672565-C-T. GRCh37 (hg19) VCF-style: chr10-121432077-C-T.
Other names: short protein forms A273V.
Identifiers: ClinVar variation 1380300 (VCV001380300.6), dbSNP rs1847166946, ClinGen allele CA378295864.
Genomic context (GRCh38, chr10:119,672,565, plus strand): 5'-ATGACTGGGAGCCCCGGCCCCTGCGGGCGGCATCCCCGTTCAGGTCATCTGTCCAGGGTG[C>T]ATCGAGCCGGGAGGGCTCACCAGCCAGGAGCAGCACGCCACTCCACTCCCCCTCGCCCAT-3'
Protein context (NP_004272.2, residues 263-283): ASPFRSSVQG[Ala273Val]SSREGSPARS